The following is an entry in ClinVar:

NM_001370100.5(ZMYND11):c.727_747dup (p.Cys249_His250insMetLeuTyrLysAspThrCys)

Gene: ZMYND11 (zinc finger MYND-type containing 11; plus strand). Cytogenetic location: 10p15.3.
Variant type: Duplication.
Coding change: c.727_747dup on transcript NM_001370100.5 (MANE Select); coding-DNA positions 727 to 747, 21 bases duplicated (ATGCTATATAAAGACACATGT).
Protein change: p.Cys249_His250insMetLeuTyrLysAspThrCys.
Molecular consequence: inframe insertion. On other transcripts: intron variant (2).
Genome position (GRCh38, 1-based): chr10:240,085-240,105, ATGCTATATAAAGACACATGT duplicated. VCF-style (leftmost placement, unchanged base first): chr10-240084-G-GATGCTATATAAAGACACATGT. GRCh37 (hg19) VCF-style: chr10-286024-G-GATGCTATATAAAGACACATGT.
Other names: c.565_585dup, p.Cys195_His196insMetLeuTyrLysAspThrCys (NM_001202464.3, NM_001202467.1, NM_001370103.2 and 6 more transcripts); c.472_492dup, p.Cys164_His165insMetLeuTyrLysAspThrCys (NM_001202465.3, NM_001370110.2); c.562_582dup, p.Cys194_His195insMetLeuTyrLysAspThrCys (NM_001202466.3, NM_001370111.2); c.727_747dup, p.Cys249_His250insMetLeuTyrLysAspThrCys (NM_001202468.1, NM_001370097.3, NM_001370098.2 and 6 more transcripts); c.676_696dup, p.Cys232_His233insMetLeuTyrLysAspThrCys (NM_001330057.3, NM_001370112.2); c.634_654dup, p.Cys218_His219insMetLeuTyrLysAspThrCys (NM_001370113.2, NM_001370114.2); c.724_744dup, p.Cys248_His249insMetLeuTyrLysAspThrCys (NM_001370115.2, NM_212479.4); c.661_681dup, p.Cys227_His228insMetLeuTyrLysAspThrCys (NM_001370116.2); and 6 more.
Identifiers: ClinVar variation 3334832 (VCV003334832.1).

ClinVar aggregate classification (germline): Uncertain significance (1 of 4 stars; one submission).

Conditions:
Inborn genetic diseases. Identifiers: MedGen C0950123, MeSH D030342.

Submission:

Ambry Genetics
Classification: Uncertain significance for Inborn genetic diseases. Last evaluated: 2024-05-22. Review status: criteria provided, single submitter. Criteria: Ambry Variant Classification Scheme 2023. Collection method: clinical testing. Allele origin: germline.
Comment: The c.727_747dup21 (p.M243_C249dup) alteration, located in coding exon 1 of the ZMYND11 gene, results from an in-frame duplication of 21 nucleotides at positions 727 to 747. This results in the insertion of 7 amino acids between codons 243 and 249. This variant was not reported in population-based cohorts in the Genome Aggregation Database (gnomAD). The amino acid positions are well conserved in available vertebrate species. This alteration is predicted to be deleterious by in silico analysis (Choi, 2012). Based on insufficient or conflicting evidence, the clinical significance of this alteration remains unclear.